The following is an entry in ClinVar:

NM_001330078.2(NRXN1):c.4472C>T (p.Ala1491Val)

Gene: NRXN1 (neurexin 1; minus strand). Cytogenetic location: 2p16.3.
Variant type: single nucleotide variant.
Coding change: c.4472C>T on transcript NM_001330078.2 (MANE Select); coding-DNA position 4472, C replaced by T.
Protein change: p.Ala1491Val; replaces alanine 1491 with valine.
Molecular consequence: missense variant.
Genome position (GRCh38, 1-based): chr2:49,921,996, G>A on the plus strand (C>T on the coding strand, the complement: NRXN1 is on the minus strand). VCF-style: chr2-49921996-G-A. GRCh37 (hg19) VCF-style: chr2-50149134-G-A.
Other names: c.4592C>T, p.Ala1531Val (NM_001135659.3); c.377C>T, p.Ala126Val (NM_001320156.4); c.368C>T, p.Ala123Val (NM_001320157.4); c.4448C>T, p.Ala1483Val (NM_001330077.2); c.4439C>T, p.Ala1480Val (NM_001330082.2); c.4307C>T, p.Ala1436Val (NM_001330083.2); c.4406C>T, p.Ala1469Val (NM_001330084.2); c.4445C>T, p.Ala1482Val (NM_001330085.2); and 12 more; short protein forms A123V, A126V, A1421V, A1424V, A1431V, A1436V, A1444V, A1461V.
Identifiers: ClinVar variation 1196704 (VCV001196704.7), dbSNP rs148764264, ClinGen allele CA1654208.

ClinVar aggregate classification (germline): Conflicting classifications of pathogenicity. Review status: criteria provided, conflicting classifications (1 of 4 stars). 2 submissions from 2 submitters: Uncertain significance (1); Likely benign (1). Last evaluated 2025-11-06.

Conditions:
Pitt-Hopkins-like syndrome 2 (PTHSL2). Identifiers: Orphanet 221150, Orphanet 600663, MedGen C3280479, MONDO:0013690, OMIM 614325.

Allele frequency attached by ClinVar (database versions not stated): gnomAD 0.00001 and 0.00002; ExAC 0.00002; gnomAD exomes 0.00003; TOPMed 0.00003; ESP Exome Variant Server 0.00008.
gnomAD v4.1: 21 of 1,613,914 alleles (0.0013%); highest among the groups gnomAD compares: Admixed American, 0.0017%; no homozygotes.

Submissions (2):

Labcorp Genetics (formerly Invitae), Labcorp
Classification: Uncertain significance for Pitt-Hopkins-like syndrome 2. Last evaluated: 2025-11-06. Review status: criteria provided, single submitter. Criteria: Invitae Variant Classification Sherloc (09022015). Collection method: clinical testing. Allele origin: germline.
Comment: This sequence change replaces alanine, which is neutral and non-polar, with valine, which is neutral and non-polar, at codon 1531 of the NRXN1 protein (p.Ala1531Val). This variant is present in population databases (rs148764264, gnomAD 0.003%). This variant has not been reported in the literature in individuals affected with NRXN1-related conditions. ClinVar contains an entry for this variant (Variation ID: 1196704). Invitae Evidence Modeling of protein sequence and biophysical properties (such as structural, functional, and spatial information, amino acid conservation, physicochemical variation, residue mobility, and thermodynamic stability) indicates that this missense variant is not expected to disrupt NRXN1 protein function with a negative predictive value of 80%. In summary, the available evidence is currently insufficient to determine the role of this variant in disease. Therefore, it has been classified as a Variant of Uncertain Significance.

GeneDx
Classification: Likely benign. Last evaluated: 2020-08-05. Review status: criteria provided, single submitter. Criteria: GeneDx Variant Classification Process June 2021. Collection method: clinical testing. Allele origin: germline. Affected: yes.